The following is an entry in ClinVar:

NM_025074.7(FRAS1):c.7030-6G>A

Gene: FRAS1 (Fraser extracellular matrix complex subunit 1; plus strand). Cytogenetic location: 4q21.21.
Variant type: single nucleotide variant.
Coding change: c.7030-6G>A on transcript NM_025074.7 (MANE Select); 6 bases into the intron before coding-DNA position 7030, G replaced by A.
Molecular consequence: intron variant.
Genome position (GRCh38, 1-based): chr4:78,466,202, G>A. VCF-style: chr4-78466202-G-A. GRCh37 (hg19) VCF-style: chr4-79387356-G-A.
Identifiers: ClinVar variation 1526220 (VCV001526220.2), dbSNP rs771012779, ClinGen allele CA2977975.

ClinVar aggregate classification (germline): Uncertain significance. Review status: criteria provided, multiple submitters, no conflicts (2 of 4 stars). 2 submissions from 2 submitters: Uncertain significance (2). Last evaluated 2022-04-09.

Conditions:
Fraser syndrome 1 (FRASRS1). Also called: CRYPTOPHTHALMOS WITH OTHER MALFORMATIONS. Identifiers: Orphanet 2052, MedGen C4551480, MONDO:0054737, OMIM 219000.

Allele frequency attached by ClinVar (database versions not stated): ExAC 0.00001; gnomAD exomes 0.00001; TOPMed 0.00001; gnomAD 0.00003.
gnomAD v4.1: 12 of 1,612,690 alleles (0.00074%); highest among the groups gnomAD compares: African/African-American, 0.004%; no homozygotes.

Submissions (2):

Fulgent Genetics
Classification: Uncertain significance for Fraser syndrome 1. Last evaluated: 2022-04-09. Review status: criteria provided, single submitter. Criteria: ACMG Guidelines, 2015. Collection method: clinical testing. Allele origin: unknown.

3billion
Classification: Uncertain significance for Fraser syndrome 1. Last evaluated: 2022-03-22. Review status: criteria provided, single submitter. Criteria: ACMG Guidelines, 2015. Collection method: clinical testing. Allele origin: germline. Affected: yes. Observed: 1 homozygote.
Comment: The variant is observed at an extremely low frequency in the gnomAD v2.1.1 dataset (total allele frequency:0.0000081). In silico tools predict the variant to alter splicing and produce an abnormal transcript (SPLICEAI: 0.9>=0.8). Therefore, this variant is classified as uncertain significance according to the recommendation of ACMG/AMP guideline.